The following is an entry in ClinVar:

NM_003931.3(WASF1):c.1632T>G (p.Ser544Arg)

Gene: WASF1 (WASP family member 1; minus strand). Cytogenetic location: 6q21.
Variant type: single nucleotide variant.
Coding change: c.1632T>G on transcript NM_003931.3 (MANE Select); coding-DNA position 1632, T replaced by G.
Protein change: p.Ser544Arg; replaces serine 544 with arginine.
Molecular consequence: missense variant.
Genome position (GRCh38, 1-based): chr6:110,100,570, A>C on the plus strand (T>G on the coding strand, the complement: WASF1 is on the minus strand). VCF-style: chr6-110100570-A-C. GRCh37 (hg19) VCF-style: chr6-110421773-A-C.
Other names: c.1632T>G, p.Ser544Arg (NM_001024934.2, NM_001024935.2, NM_001024936.2); short protein forms S544R.
Identifiers: ClinVar variation 3602813 (VCV003602813.1).
Genomic context (GRCh38, chr6:110,100,570, plus strand): 5'-AATGCATTTTTCTTACTCCAACCAATCTACTTCATCAAATTCTGAATCATCTTCCGAATC[A>C]CTATATTCAACAGCAATACGGCGAGACAGGATGGTGGCAACATCGTTTTCAATGCGTTCA-3'
Protein context (NP_003922.1, residues 534-554): ILSRRIAVEY[Ser544Arg]DSEDDSEFDE

ClinVar aggregate classification (germline): Uncertain significance (1 of 4 stars; one submission).

Submission:

GeneDx
Classification: Uncertain significance. Last evaluated: 2024-08-05. Review status: criteria provided, single submitter. Criteria: GeneDx Variant Classification Process June 2021. Collection method: clinical testing. Allele origin: germline. Affected: yes.
Comment: Not observed at significant frequency in large population cohorts (gnomAD); In silico analysis supports that this missense variant has a deleterious effect on protein structure/function; Has not been previously published as pathogenic or benign to our knowledge